The following is an entry in ClinVar:

ClinVar aggregate classification (germline): Likely benign. Review status: criteria provided, multiple submitters, no conflicts (2 of 4 stars). 4 submissions from 4 submitters: Likely benign (3). 1 of the submissions does not count toward it. Last evaluated 2023-07-01.

Conditions:
KIF26B-related disorder. Also called: KIF26B-related condition.

Allele frequency attached by ClinVar (database versions not stated): gnomAD 0.00183 and 0.00187; TOPMed 0.00187; ExAC 0.00195; ESP Exome Variant Server 0.00207; 1000 Genomes Project 0.00060; 1000 Genomes Project 30x 0.00094.
gnomAD v4.1: 3,634 of 1,614,074 alleles (0.23%); highest among the groups gnomAD compares: Non-Finnish European, 0.28%; 4 homozygotes.

Submissions (4):

CeGaT Center for Human Genetics Tuebingen
Classification: Likely benign. Last evaluated: 2023-07-01. Review status: criteria provided, single submitter. Criteria: CeGaT Center For Human Genetics Tuebingen Variant Classification Criteria Version 2. Collection method: clinical testing. Allele origin: germline. Affected: yes. Observed: 1 variant allele.
Comment: KIF26B: BP4, BS2

Labcorp Genetics (formerly Invitae), Labcorp
Classification: Likely benign. Last evaluated: 2019-12-31. Review status: criteria provided, single submitter. Criteria: Invitae Variant Classification Sherloc (09022015). Collection method: clinical testing. Allele origin: germline.

Breakthrough Genomics
Classification: Likely benign. Review status: criteria provided, single submitter. Criteria: ACMG Guidelines, 2015. Collection method: not provided. Allele origin: germline. Inheritance: Unknown mechanism. Affected: yes.

PreventionGenetics, part of Exact Sciences
Classification: Likely benign for KIF26B-related condition. Last evaluated: 2020-09-08. Review status: no assertion criteria provided. Collection method: clinical testing. Allele origin: germline. Not counted in ClinVar's aggregate classification.
Comment: This variant is classified as likely benign based on ACMG/AMP sequence variant interpretation guidelines (Richards et al. 2015 PMID: 25741868, with internal and published modifications).

NM_018012.4(KIF26B):c.1487A>G (p.Gln496Arg)

Gene: KIF26B (kinesin family member 26B; plus strand). Cytogenetic location: 1q44.
Variant type: single nucleotide variant.
Coding change: c.1487A>G on transcript NM_018012.4 (MANE Select); coding-DNA position 1487, A replaced by G.
Protein change: p.Gln496Arg; replaces glutamine 496 with arginine.
Molecular consequence: missense variant.
Genome position (GRCh38, 1-based): chr1:245,602,713, A>G. VCF-style: chr1-245602713-A-G. GRCh37 (hg19) VCF-style: chr1-245766015-A-G.
Other names: short protein forms Q496R.
Identifiers: ClinVar variation 709968 (VCV000709968.30), dbSNP rs61831269, ClinGen allele CA1487702.
Genomic context (GRCh38, chr1:245,602,713, plus strand): 5'-CACGGAAGAAGCAGATCACCTTGTACGATCCCCTGACTTGTGGAGGTCAAAATGCCTTCC[A>G]AAAGAGAGGCAACCAGGTTCCTCCAAAGATGTTTGCCTTCGATGCAGTTTTTCCACAAGA-3'
Protein context (NP_060482.2, residues 486-506): PLTCGGQNAF[Gln496Arg]KRGNQVPPKM